The following is an entry in ClinVar:

NM_018230.3(NUP133):c.3449A>G (p.Tyr1150Cys)

Gene: NUP133 (nucleoporin 133; minus strand). Cytogenetic location: 1q42.13.
Variant type: single nucleotide variant.
Coding change: c.3449A>G on transcript NM_018230.3 (MANE Select); coding-DNA position 3449, A replaced by G.
Protein change: p.Tyr1150Cys; replaces tyrosine 1150 with cysteine.
Molecular consequence: missense variant.
Genome position (GRCh38, 1-based): chr1:229,441,926, T>C on the plus strand (A>G on the coding strand, the complement: NUP133 is on the minus strand). VCF-style: chr1-229441926-T-C. GRCh37 (hg19) VCF-style: chr1-229577673-T-C.
Other names: short protein forms Y1150C.
Identifiers: ClinVar variation 1958230 (VCV001958230.5), dbSNP rs1471807188, ClinGen allele CA345139339.

ClinVar aggregate classification (germline): Uncertain significance (1 of 4 stars; one submission).

Allele frequency attached by ClinVar (database versions not stated): gnomAD exomes below 0.00001.
gnomAD v4.1: 1 of 1,580,454 alleles (0.000063%); highest among the groups gnomAD compares: African/African-American, 0.0014%; no homozygotes.

Submission:

Labcorp Genetics (formerly Invitae), Labcorp
Classification: Uncertain significance. Last evaluated: 2024-11-05. Review status: criteria provided, single submitter. Criteria: Invitae Variant Classification Sherloc (09022015). Collection method: clinical testing. Allele origin: germline.
Comment: This sequence change replaces tyrosine, which is neutral and polar, with cysteine, which is neutral and slightly polar, at codon 1150 of the NUP133 protein (p.Tyr1150Cys). This variant is not present in population databases (gnomAD no frequency). This variant has not been reported in the literature in individuals affected with NUP133-related conditions. ClinVar contains an entry for this variant (Variation ID: 1958230). An algorithm developed to predict the effect of missense changes on protein structure and function (PolyPhen-2) suggests that this variant is likely to be disruptive. In summary, the available evidence is currently insufficient to determine the role of this variant in disease. Therefore, it has been classified as a Variant of Uncertain Significance.